The following is an entry in ClinVar:

ClinVar aggregate classification (germline): Uncertain significance. Review status: criteria provided, multiple submitters, no conflicts (2 of 4 stars). 3 submissions from 3 submitters: Uncertain significance (3). Last evaluated 2025-09-08.

Conditions:
Cone-rod dystrophy 15 (CORD15). Identifiers: MedGen C3150912, MONDO:0013348, OMIM 613660.

Allele frequency attached by ClinVar (database versions not stated): 1000 Genomes Project 30x 0.00016; 1000 Genomes Project 0.00020.
gnomAD v4.1: 32 of 1,614,194 alleles (0.002%); highest among the groups gnomAD compares: Middle Eastern, 0.43%; no homozygotes.

Submissions (3):

Labcorp Genetics (formerly Invitae), Labcorp
Classification: Uncertain significance. Last evaluated: 2025-09-08. Review status: criteria provided, single submitter. Criteria: Invitae Variant Classification Sherloc (09022015). Collection method: clinical testing. Allele origin: germline.
Comment: This sequence change replaces valine, which is neutral and non-polar, with leucine, which is neutral and non-polar, at codon 247 of the CDHR1 protein (p.Val247Leu). This variant is present in population databases (rs184579670, gnomAD 0.0009%). This variant has not been reported in the literature in individuals affected with CDHR1-related conditions. ClinVar contains an entry for this variant (Variation ID: 301223). Invitae Evidence Modeling of protein sequence and biophysical properties (such as structural, functional, and spatial information, amino acid conservation, physicochemical variation, residue mobility, and thermodynamic stability) indicates that this missense variant is not expected to disrupt CDHR1 protein function with a negative predictive value of 80%. In summary, the available evidence is currently insufficient to determine the role of this variant in disease. Therefore, it has been classified as a Variant of Uncertain Significance.

Illumina Laboratory Services, Illumina
Classification: Uncertain significance for Cone-rod dystrophy 15. Last evaluated: 2018-01-12. Review status: criteria provided, single submitter. Criteria: ICSL Variant Classification Criteria 13 December 2019. Collection method: clinical testing. Allele origin: germline.

Breakthrough Genomics
Classification: Uncertain significance. Review status: criteria provided, single submitter. Criteria: ACMG Guidelines, 2015. Collection method: not provided. Allele origin: germline. Inheritance: Autosomal recessive inheritance. Affected: yes.

NM_033100.4(CDHR1):c.739G>T (p.Val247Leu)

Gene: CDHR1 (cadherin related family member 1; plus strand). Cytogenetic location: 10q23.1.
Variant type: single nucleotide variant.
Coding change: c.739G>T on transcript NM_033100.4 (MANE Select); coding-DNA position 739, G replaced by T.
Protein change: p.Val247Leu; replaces valine 247 with leucine.
Molecular consequence: missense variant.
Genome position (GRCh38, 1-based): chr10:84,203,079, G>T. VCF-style: chr10-84203079-G-T. GRCh37 (hg19) VCF-style: chr10-85962835-G-T.
Other names: c.739G>T, p.Val247Leu (NM_001171971.3); short protein forms V247L.
Identifiers: ClinVar variation 301223 (VCV000301223.12), dbSNP rs184579670, ClinGen allele CA5579657.